The following is an entry in ClinVar:

ClinVar aggregate classification (germline): Conflicting classifications of pathogenicity. Review status: criteria provided, conflicting classifications (1 of 4 stars). 2 submissions from 2 submitters: Uncertain significance (1); Likely benign (1). Last evaluated 2024-06-07.

Conditions:
Hereditary cancer-predisposing syndrome. Also called: Neoplastic Syndromes, Hereditary; Tumor predisposition; Hereditary neoplastic syndrome; Hereditary Cancer Syndrome. Identifiers: Orphanet 140162, MedGen C0027672, MeSH D009386, MONDO:0015356.
Rhabdoid tumor predisposition syndrome 2 (RTPS2). Identifiers: Orphanet 231108, Orphanet 69077, MedGen C2750074, MONDO:0013224, OMIM 613325.

Allele frequency attached by ClinVar (database versions not stated): TOPMed below 0.00001.
gnomAD v4.1: 3 of 1,614,054 alleles (0.00019%); highest among the groups gnomAD compares: Non-Finnish European, 0.00025%; no homozygotes.

Submissions (2):

Labcorp Genetics (formerly Invitae), Labcorp
Classification: Uncertain significance for Rhabdoid tumor predisposition syndrome 2. Last evaluated: 2024-06-07. Review status: criteria provided, single submitter. Criteria: Invitae Variant Classification Sherloc (09022015). Collection method: clinical testing. Allele origin: germline.
Comment: This sequence change replaces arginine, which is basic and polar, with cysteine, which is neutral and slightly polar, at codon 1547 of the SMARCA4 protein (p.Arg1547Cys). This variant is not present in population databases (gnomAD no frequency). This variant has not been reported in the literature in individuals affected with SMARCA4-related conditions. ClinVar contains an entry for this variant (Variation ID: 581161). Advanced modeling of protein sequence and biophysical properties (such as structural, functional, and spatial information, amino acid conservation, physicochemical variation, residue mobility, and thermodynamic stability) has been performed at Invitae for this missense variant, however the output from this modeling did not meet the statistical confidence thresholds required to predict the impact of this variant on SMARCA4 protein function. In summary, the available evidence is currently insufficient to determine the role of this variant in disease. Therefore, it has been classified as a Variant of Uncertain Significance.

Ambry Genetics
Classification: Likely benign for Hereditary cancer-predisposing syndrome. Last evaluated: 2022-08-24. Review status: criteria provided, single submitter. Criteria: Ambry Variant Classification Scheme 2023. Collection method: clinical testing. Allele origin: germline.

NM_003072.5(SMARCA4):c.4543C>T (p.Arg1515Cys)

Gene: SMARCA4 (SWI/SNF related BAF chromatin remodeling complex subunit ATPase 4; plus strand). Cytogenetic location: 19p13.2.
Variant type: single nucleotide variant.
Coding change: c.4543C>T on transcript NM_003072.5 (MANE Select); coding-DNA position 4543, C replaced by T.
Protein change: p.Arg1515Cys; replaces arginine 1515 with cysteine.
Molecular consequence: missense variant. On other transcripts: non-coding transcript variant (1).
Genome position (GRCh38, 1-based): chr19:11,058,797, C>T. VCF-style: chr19-11058797-C-T. GRCh37 (hg19) VCF-style: chr19-11169473-C-T.
Other names: c.4543C>T, p.Arg1515Cys (NM_001128844.3); c.4453C>T, p.Arg1485Cys (NM_001128845.2); c.4450C>T, p.Arg1484Cys (NM_001128846.2); c.4444C>T, p.Arg1482Cys (NM_001128847.4, NM_001374457.1); c.4441C>T, p.Arg1481Cys (NM_001128848.2); c.4639C>T, p.Arg1547Cys (NM_001128849.3, NM_001387283.1); short protein forms R1547C, R1515C, R1482C, R1484C, R1485C, R1481C.
Identifiers: ClinVar variation 581161 (VCV000581161.13), dbSNP rs1166347946, ClinGen allele CA404078681.